The following is an entry in ClinVar:

NM_001267550.2(TTN):c.45589A>G (p.Arg15197Gly)

Genes: TTN (titin; minus strand), LOC126806427 (BRD4-independent group 4 enhancer GRCh37_chr2:179485777-179486976; plus strand). Cytogenetic location: 2q31.2.
Variant type: single nucleotide variant.
Coding change: c.45589A>G on transcript NM_001267550.2 (MANE Select); coding-DNA position 45589, A replaced by G.
Protein change: p.Arg15197Gly; replaces arginine 15197 with glycine.
Molecular consequence: missense variant.
Genome position (GRCh38, 1-based): chr2:178,621,129, T>C on the plus strand (A>G on the coding strand, the complement: TTN is on the minus strand). VCF-style: chr2-178621129-T-C. GRCh37 (hg19) VCF-style: chr2-179485856-T-C.
Other names: c.40666A>G, p.Arg13556Gly (NM_001256850.1); c.18394A>G, p.Arg6132Gly (NM_003319.4); c.37885A>G, p.Arg12629Gly (NM_133378.4); c.18769A>G, p.Arg6257Gly (NM_133432.3); c.18970A>G, p.Arg6324Gly (NM_133437.4); short protein forms R15197G, R12629G, R13556G, R6132G, R6257G, R6324G.
Identifiers: ClinVar variation 405183 (VCV000405183.4), dbSNP rs748906368, ClinGen allele CA1995414.

ClinVar aggregate classification (germline): Uncertain significance. Review status: criteria provided, multiple submitters, no conflicts (2 of 4 stars). 2 submissions from 2 submitters: Uncertain significance (2). Last evaluated 2025-11-04.

Conditions:
TTN-related disorder. Also called: TTN-related disorders; TTN-related condition; TTN-related disease.
Autosomal recessive limb-girdle muscular dystrophy type 2J (LGMDR10). Also called: Limb-girdle muscular dystrophy, type 2J; MUSCULAR DYSTROPHY, LIMB-GIRDLE, AUTOSOMAL RECESSIVE 10. Identifiers: Orphanet 140922, MedGen C1837342, MONDO:0012127, OMIM 608807.
Dilated cardiomyopathy 1G (CMD1G). Identifiers: Orphanet 154, MedGen C1858763, MONDO:0011400, OMIM 604145.

Allele frequency attached by ClinVar (database versions not stated): ExAC 0.00001; gnomAD 0.00001; gnomAD exomes 0.00001; TOPMed 0.00001.
gnomAD v4.1: 16 of 1,612,408 alleles (0.00099%); highest among the groups gnomAD compares: Admixed American, 0.0067%; no homozygotes.

Submissions (2):

PreventionGenetics, part of Exact Sciences
Classification: Uncertain significance for TTN-related condition. Last evaluated: 2025-11-04. Review status: criteria provided, single submitter. Criteria: ACMG Guidelines, 2015. Collection method: clinical testing. Allele origin: germline.
Comment: The TTN c.45589A>G variant is predicted to result in the amino acid substitution p.Arg15197Gly. To our knowledge, this variant has not been reported in the literature. This variant is reported in 0.0027% of alleles in individuals of European (Non-Finnish) descent in gnomAD. At this time, the clinical significance of this variant is uncertain due to the absence of conclusive functional and genetic evidence.

Labcorp Genetics (formerly Invitae), Labcorp
Classification: Uncertain significance for Dilated cardiomyopathy 1G; Autosomal recessive limb-girdle muscular dystrophy type 2J. Last evaluated: 2016-10-25. Review status: criteria provided, single submitter. Criteria: Invitae Variant Classification Sherloc (09022015). Collection method: clinical testing. Allele origin: germline.